The following is an entry in ClinVar:

ClinVar aggregate classification (germline): Likely benign. Review status: criteria provided, single submitter (1 of 4 stars). 2 submissions from 2 submitters: Likely benign (1). 1 of the submissions does not count toward it. Last evaluated 2025-08-31.

Conditions:
KANK1-related disorder. Also called: KANK1-related condition.

Submissions (2):

Labcorp Genetics (formerly Invitae), Labcorp
Classification: Likely benign. Last evaluated: 2025-08-31. Review status: criteria provided, single submitter. Criteria: Invitae Variant Classification Sherloc (09022015). Collection method: clinical testing. Allele origin: germline.

PreventionGenetics, part of Exact Sciences
Classification: Likely benign for KANK1-related condition. Last evaluated: 2023-02-16. Review status: no assertion criteria provided. Collection method: clinical testing. Allele origin: germline. Not counted in ClinVar's aggregate classification.
Comment: This variant is classified as likely benign based on ACMG/AMP sequence variant interpretation guidelines (Richards et al. 2015 PMID: 25741868, with internal and published modifications).

NM_015158.5(KANK1):c.3105GGA[6] (p.Glu1039dup)

Gene: KANK1 (KN motif and ankyrin repeat domains 1; plus strand). Cytogenetic location: 9p24.3.
Variant type: Microsatellite.
Coding change: c.3105GGA[6] on transcript NM_015158.5 (MANE Select); six copies in a row of the 3-base unit GGA starting at c.3105; the reference has five copies in a row; one copy, 3 bases duplicated.
Protein change: p.Glu1039dup; duplicates glutamic acid 1039.
Molecular consequence: inframe insertion. On other transcripts: intron variant (5).
Genome position (GRCh38, 1-based): chr9:732,489-732,491, GGA duplicated; duplicating any 3 consecutive bases within chr9:732,475-732,491 gives the same sequence; the position shown is the placement nearest the transcript's 3' end. VCF-style (leftmost placement, unchanged base first): chr9-732474-A-AGAG. GRCh37 (hg19) VCF-style: chr9-732474-A-AGAG.
Other names: c.3105GGA[6], p.Glu1039dup (NM_001256876.3, NM_001256877.3, NM_001354334.2); c.3051GGA[6], p.Glu1021dup (NM_001354332.2); c.2631GGA[6], p.Glu881dup (NM_001354333.2, NM_001354335.2, NM_001354337.2 and 2 more transcripts); c.2577GGA[6], p.Glu863dup (NM_001354338.2, NM_001354340.2, NM_001354344.2); c.3005+1209GAG[6] (NM_001354331.2); c.2477+1209GAG[6] (NM_001354336.2); c.2531+1209GAG[6] (NM_001354339.2, NM_001354343.2, NM_001354342.2).
Identifiers: ClinVar variation 791295 (VCV000791295.10), dbSNP rs113586916, ClinGen allele CA4960774.